The following is an entry in ClinVar:

NM_007289.4(MME):c.2235G>T (p.Lys745Asn)

Gene: MME (membrane metalloendopeptidase; plus strand). Cytogenetic location: 3q25.2.
Variant type: single nucleotide variant.
Coding change: c.2235G>T on transcript NM_007289.4 (MANE Select); coding-DNA position 2235, G replaced by T.
Protein change: p.Lys745Asn; replaces lysine 745 with asparagine.
Molecular consequence: missense variant.
Genome position (GRCh38, 1-based): chr3:155,180,441, G>T. VCF-style: chr3-155180441-G-T. GRCh37 (hg19) VCF-style: chr3-154898230-G-T.
Other names: c.2235G>T, p.Lys745Asn (NM_000902.5, NM_001354642.2, NM_001354643.1 and 2 more transcripts); short protein forms K745N.
Identifiers: ClinVar variation 3295243 (VCV003295243.2).

ClinVar aggregate classification (germline): Uncertain significance. Review status: criteria provided, multiple submitters, no conflicts (2 of 4 stars). 2 submissions from 2 submitters: Uncertain significance (2). Last evaluated 2024-06-17.

Conditions:
Inborn genetic diseases. Identifiers: MedGen C0950123, MeSH D030342.

Submissions (2):

Ambry Genetics
Classification: Uncertain significance for Inborn genetic diseases. Last evaluated: 2024-06-17. Review status: criteria provided, single submitter. Criteria: Ambry Variant Classification Scheme 2023. Collection method: clinical testing. Allele origin: germline.

GeneDx
Classification: Uncertain significance. Last evaluated: 2024-02-08. Review status: criteria provided, single submitter. Criteria: GeneDx Variant Classification Process June 2021. Collection method: clinical testing. Allele origin: germline. Affected: yes.
Comment: Not observed at significant frequency in large population cohorts (gnomAD); In silico analysis supports that this missense variant does not alter protein structure/function; Has not been previously published as pathogenic or benign to our knowledge